The following is an entry in ClinVar:

NM_020435.4(GJC2):c.1222C>T (p.Arg408Trp)

Gene: GJC2 (gap junction protein gamma 2; plus strand). Cytogenetic location: 1q42.13.
Variant type: single nucleotide variant.
Coding change: c.1222C>T on transcript NM_020435.4 (MANE Select); coding-DNA position 1222, C replaced by T.
Protein change: p.Arg408Trp; replaces arginine 408 with tryptophan.
Molecular consequence: missense variant.
Genome position (GRCh38, 1-based): chr1:228,158,980, C>T. VCF-style: chr1-228158980-C-T. GRCh37 (hg19) VCF-style: chr1-228346681-C-T.
Other names: short protein forms R408W.
Identifiers: ClinVar variation 844827 (VCV000844827.10), dbSNP rs918865729, ClinGen allele CA38728450.

ClinVar aggregate classification (germline): Uncertain significance. Review status: criteria provided, multiple submitters, no conflicts (2 of 4 stars). 2 submissions from 2 submitters: Uncertain significance (2). Last evaluated 2022-10-05.

Conditions:
Spastic paraplegia. Identifiers: MedGen C0037772, HP:0001258.

Allele frequency attached by ClinVar (database versions not stated): gnomAD 0.00001; TOPMed 0.00001.
gnomAD v4.1: 3 of 1,599,104 alleles (0.00019%); highest among the groups gnomAD compares: Non-Finnish European, 0.00017%; no homozygotes.

Submissions (2):

Blueprint Genetics
Classification: Uncertain significance. Last evaluated: 2022-10-05. Review status: criteria provided, single submitter. Criteria: ACMG Guidelines, 2015. Collection method: clinical testing. Allele origin: germline.

Labcorp Genetics (formerly Invitae), Labcorp
Classification: Uncertain significance for Spastic paraplegia. Last evaluated: 2019-03-22. Review status: criteria provided, single submitter. Criteria: Invitae Variant Classification Sherloc (09022015). Collection method: clinical testing. Allele origin: germline.
Comment: In summary, the available evidence is currently insufficient to determine the role of this variant in disease. Therefore, it has been classified as a Variant of Uncertain Significance. Algorithms developed to predict the effect of missense changes on protein structure and function are either unavailable or do not agree on the potential impact of this missense change (SIFT: "Deleterious"; PolyPhen-2: "Possibly Damaging"; Align-GVGD: "Class C0"). This variant has not been reported in the literature in individuals with GJC2-related conditions. This variant is not present in population databases (ExAC no frequency). This sequence change replaces arginine with tryptophan at codon 408 of the GJC2 protein (p.Arg408Trp). The arginine residue is moderately conserved and there is a moderate physicochemical difference between arginine and tryptophan.